The following is an entry in ClinVar:

NC_000005.10:g.(?_80744496)_(80744625_?)del

Gene: MSH3 (mutS homolog 3; plus strand). Cytogenetic location: 5q14.1.
Variant type: Deletion.
Identifiers: ClinVar variation 832983 (VCV000832983.6).

ClinVar aggregate classification (germline): Pathogenic (1 of 4 stars; one submission).

Submission:

Labcorp Genetics (formerly Invitae), Labcorp
Classification: Pathogenic. Last evaluated: 2022-10-16. Review status: criteria provided, single submitter. Criteria: Invitae Variant Classification Sherloc (09022015). Collection method: clinical testing. Allele origin: germline.
Comment: For these reasons, this variant has been classified as Pathogenic. This variant has not been reported in the literature in individuals affected with MSH3-related conditions. This variant is a gross deletion of the genomic region encompassing exon(s) 12 of the MSH3 gene. This deletion is out-of-frame, and is expected to create a premature termination codon and result in an absent or disrupted protein product. Loss-of-function variants in MSH3 are known to be pathogenic (PMID: 27476653).

Literature cited by the submitters: PubMed 27476653.